The following is an entry in ClinVar:

ClinVar aggregate classification (germline): Uncertain significance (1 of 4 stars; one submission).

Conditions:
Inborn genetic diseases. Identifiers: MedGen C0950123, MeSH D030342.
Ocular cystinosis. Also called: Non-Nephropathic Cystinosis; Non-Nephropathic (Ocular) Cystinosis. Identifiers: Orphanet 213, Orphanet 411641, MedGen C2931013, MONDO:0009064, OMIM 219750.
Juvenile nephropathic cystinosis. Also called: Intermediate Cystinosis; CYSTINOSIS, LATE-ONSET JUVENILE OR ADOLESCENT NEPHROPATHIC TYPE; Later-Onset (Juvenile) Cystinosis. Identifiers: Orphanet 213, Orphanet 411634, MedGen C0268626, MONDO:0009066, OMIM 219900.

Allele frequency attached by ClinVar (database versions not stated): ExAC 0.00001; gnomAD 0.00001; 1000 Genomes Project 30x 0.00016; 1000 Genomes Project 0.00020.
gnomAD v4.1: 2 of 1,609,942 alleles (0.00012%); highest among the groups gnomAD compares: African/African-American, 0.0027%; no homozygotes.

Submission:

Labcorp Genetics (formerly Invitae), Labcorp
Classification: Uncertain significance for Inborn genetic diseases; Ocular cystinosis; Juvenile nephropathic cystinosis. Last evaluated: 2021-12-26. Review status: criteria provided, single submitter. Criteria: Invitae Variant Classification Sherloc (09022015). Collection method: clinical testing. Allele origin: germline.
Comment: In summary, the available evidence is currently insufficient to determine the role of this variant in disease. Therefore, it has been classified as a Variant of Uncertain Significance. Advanced modeling of protein sequence and biophysical properties (such as structural, functional, and spatial information, amino acid conservation, physicochemical variation, residue mobility, and thermodynamic stability) performed at Invitae indicates that this missense variant is not expected to disrupt CTNS protein function. This variant has not been reported in the literature in individuals affected with CTNS-related conditions. This variant is present in population databases (rs574563482, gnomAD 0.007%). This sequence change replaces isoleucine, which is neutral and non-polar, with valine, which is neutral and non-polar, at codon 178 of the CTNS protein (p.Ile178Val).

NM_004937.3(CTNS):c.532A>G (p.Ile178Val)

Genes: CTNS (cystinosin, lysosomal cystine transporter; plus strand), CTNS-AS1 (CTNS antisense RNA 1; minus strand). Cytogenetic location: 17p13.2.
Variant type: single nucleotide variant.
Coding change: c.532A>G on transcript NM_004937.3 (MANE Select); coding-DNA position 532, A replaced by G.
Protein change: p.Ile178Val; replaces isoleucine 178 with valine.
Molecular consequence: missense variant.
Genome position (GRCh38, 1-based): chr17:3,656,557, A>G. VCF-style: chr17-3656557-A-G. GRCh37 (hg19) VCF-style: chr17-3559851-A-G.
Other names: c.532A>G, p.Ile178Val (NM_001031681.3, NM_001374492.1); c.91A>G, p.Ile31Val (NM_001374493.1, NM_001374494.1, NM_001374495.1 and 1 more transcripts); short protein forms I31V, I178V.
Identifiers: ClinVar variation 2061615 (VCV002061615.4), dbSNP rs574563482, ClinGen allele CA8291767.